The following is an entry in ClinVar:

NM_000059.4(BRCA2):c.10164A>G (p.Thr3388=)

Gene: BRCA2 (BRCA2 DNA repair associated; plus strand). Cytogenetic location: 13q13.1.
Variant type: single nucleotide variant.
Coding change: c.10164A>G on transcript NM_000059.4 (MANE Select); coding-DNA position 10164, A replaced by G.
Protein change: p.Thr3388=; no amino-acid change (threonine 3388 retained).
Molecular consequence: synonymous variant.
Genome position (GRCh38, 1-based): chr13:32,398,677, A>G. VCF-style: chr13-32398677-A-G. GRCh37 (hg19) VCF-style: chr13-32972814-A-G.
Identifiers: ClinVar variation 225724 (VCV000225724.19), dbSNP rs869320784, ClinGen allele CA10576079.
Genomic context (GRCh38, chr13:32,398,677, plus strand): 5'-CACTAGGACTGCTCCCACCAGTTCAGAAGATTATCTCAGACTGAAACGACGTTGTACTAC[A>G]TCTCTGATCAAAGAACAGGAGAGTTCCCAGGCCAGTACGGAAGAATGTGAGAAAAATAAG-3'
Protein context (NP_000050.3, residues 3378-3398): DYLRLKRRCT[Thr3388=]SLIKEQESSQ

ClinVar aggregate classification (germline): Likely benign. Review status: reviewed by expert panel (3 of 4 stars). 6 submissions from 6 submitters: Likely benign (1). 5 of the submissions do not count toward it. Last evaluated 2017-06-29.

Conditions:
Hereditary cancer-predisposing syndrome. Also called: Tumor predisposition; Neoplastic Syndromes, Hereditary; Hereditary neoplastic syndrome; Hereditary Cancer Syndrome. Identifiers: Orphanet 140162, MedGen C0027672, MeSH D009386, MONDO:0015356.
Breast-ovarian cancer, familial, susceptibility to, 2 (BROVCA2). Also called: BRCA2 Hereditary Breast and Ovarian Cancer. Identifiers: Orphanet 145, MedGen C2675520, MONDO:0012933, OMIM 612555. Disease mechanism: loss of function.
Hereditary breast ovarian cancer syndrome. Also called: Hereditary breast and/or ovarian cancer syndrome; Hereditary breast and ovarian cancer syndrome (HBOC); Breast and ovarian cancer; Hereditary breast and ovarian cancer; BRCA1- and BRCA2-Associated Hereditary Breast and Ovarian Cancer; Hereditary breast and ovarian cancer syndrome. Identifiers: Orphanet 145, MedGen C0677776, MeSH D061325, MONDO:0003582. Disease mechanism: loss of function.

Submissions (6):

Evidence-based Network for the Interpretation of Germline Mutant Alleles (ENIGMA)
Classification: Likely benign for Breast-ovarian cancer, familial, susceptibility to, 2. Last evaluated: 2017-06-29. Review status: reviewed by expert panel. Criteria: ENIGMA BRCA1/2 Classification Criteria (2017-06-29). Collection method: curation. Allele origin: germline.
Comment: Synonymous substitution variant, with low bioinformatic likelihood to result in a splicing aberration (Splicing prior probability 0.02).

Labcorp Genetics (formerly Invitae), Labcorp
Classification: Likely benign for Hereditary breast ovarian cancer syndrome. Last evaluated: 2024-03-05. Review status: criteria provided, single submitter. Criteria: Invitae Variant Classification Sherloc (09022015). Collection method: clinical testing. Allele origin: germline. Not counted in ClinVar's aggregate classification.

All of Us Research Program, National Institutes of Health
Classification: Likely benign for Breast-ovarian cancer, familial, susceptibility to, 2. Last evaluated: 2023-08-15. Review status: criteria provided, single submitter. Criteria: ACMG Guidelines, 2015. Collection method: clinical testing. Allele origin: germline. Inheritance: Autosomal dominant inheritance. Observed: 1 variant allele, 1 heterozygote. Not counted in ClinVar's aggregate classification.
Comment: This study involves interpretation of variants in research participants for the purpose of population health screening. Participant phenotype was not available at the time of variant classification. Additional details can be found in publication PMID: 35346344, PMCID: PMC8962531

Ambry Genetics
Classification: Likely benign for Hereditary cancer-predisposing syndrome. Last evaluated: 2022-02-08. Review status: criteria provided, single submitter. Criteria: Ambry Variant Classification Scheme 2023. Collection method: clinical testing. Allele origin: germline. Not counted in ClinVar's aggregate classification.

Color Diagnostics, LLC DBA Color Health
Classification: Likely benign for Hereditary cancer-predisposing syndrome. Last evaluated: 2018-02-23. Review status: criteria provided, single submitter. Criteria: ACMG Guidelines, 2015. Collection method: clinical testing. Allele origin: germline. Not counted in ClinVar's aggregate classification.

Molecular Genetics Laboratory, University of Michigan
Classification: Likely benign for Breast-ovarian cancer, familial, susceptibility to, 2. Last evaluated: 2014-11-03. Review status: criteria provided, single submitter. Criteria: ACMG Guidelines, 2015. Collection method: clinical testing. Allele origin: germline. Affected: yes. Not counted in ClinVar's aggregate classification.